The following is an entry in ClinVar:

NM_001261826.3(AP3D1):c.1357A>G (p.Lys453Glu)

Gene: AP3D1 (adaptor related protein complex 3 subunit delta 1; minus strand). Cytogenetic location: 19p13.3.
Variant type: single nucleotide variant.
Coding change: c.1357A>G on transcript NM_001261826.3 (MANE Select); coding-DNA position 1357, A replaced by G.
Protein change: p.Lys453Glu; replaces lysine 453 with glutamic acid.
Molecular consequence: missense variant.
Genome position (GRCh38, 1-based): chr19:2,120,986, T>C on the plus strand (A>G on the coding strand, the complement: AP3D1 is on the minus strand). VCF-style: chr19-2120986-T-C. GRCh37 (hg19) VCF-style: chr19-2120985-T-C.
Other names: c.1357A>G, p.Lys453Glu (NM_001374799.1, NM_003938.8); short protein forms K453E.
Identifiers: ClinVar variation 3006609 (VCV003006609.3), dbSNP rs528509434, ClinGen allele CA403223268.

ClinVar aggregate classification (germline): Uncertain significance (1 of 4 stars; one submission).

Allele frequency attached by ClinVar (database versions not stated): gnomAD 0.00001.
gnomAD v4.1: 1 of 1,612,146 alleles (0.000062%); no homozygotes.

Submission:

Labcorp Genetics (formerly Invitae), Labcorp
Classification: Uncertain significance. Last evaluated: 2023-10-22. Review status: criteria provided, single submitter. Criteria: Invitae Variant Classification Sherloc (09022015). Collection method: clinical testing. Allele origin: germline.
Comment: This sequence change replaces lysine, which is basic and polar, with glutamic acid, which is acidic and polar, at codon 453 of the AP3D1 protein (p.Lys453Glu). This variant is not present in population databases (gnomAD no frequency). This variant has not been reported in the literature in individuals affected with AP3D1-related conditions. An algorithm developed to predict the effect of missense changes on protein structure and function (PolyPhen-2) suggests that this variant is likely to be tolerated. In summary, the available evidence is currently insufficient to determine the role of this variant in disease. Therefore, it has been classified as a Variant of Uncertain Significance.